The following is an entry in ClinVar:

ClinVar aggregate classification (germline): Pathogenic (1 of 4 stars; one submission).

Submission:

Labcorp Genetics (formerly Invitae), Labcorp
Classification: Pathogenic. Last evaluated: 2024-04-06. Review status: criteria provided, single submitter. Criteria: Invitae Variant Classification Sherloc (09022015). Collection method: clinical testing. Allele origin: germline.
Comment: This sequence change creates a premature translational stop signal (p.Val499Aspfs*17) in the SLC26A5 gene. It is expected to result in an absent or disrupted protein product. Loss-of-function variants in SLC26A5 are known to be pathogenic (PMID: 12239568, 24164807). This variant is not present in population databases (gnomAD no frequency). This variant has not been reported in the literature in individuals affected with SLC26A5-related conditions. For these reasons, this variant has been classified as Pathogenic.

Literature cited by the submitters: PubMed 12239568; PubMed 24164807.

NM_198999.3(SLC26A5):c.1496_1497del (p.Val499fs)

Gene: SLC26A5 (solute carrier family 26 member 5; minus strand). Cytogenetic location: 7q22.1.
Variant type: Microsatellite.
Coding change: c.1496_1497del on transcript NM_198999.3 (MANE Select); coding-DNA positions 1496 to 1497, 2 bases deleted (TG; older notation c.1496_1497delTG).
Protein change: p.Val499fs; shifts the reading frame from valine 499.
Molecular consequence: frameshift variant. On other transcripts: non-coding transcript variant (5), intron variant (1).
Genome position (GRCh38, 1-based): chr7:103,389,025-103,389,026, CA deleted on the plus strand (TG on the coding strand, the reverse complement: SLC26A5 is on the minus strand); deleting any 2 consecutive bases within chr7:103,389,025-103,389,028 gives the same sequence; the c. name uses the placement nearest the transcript's 3' end. VCF-style (leftmost placement, unchanged base first): chr7-103389024-TCA-T. GRCh37 (hg19) VCF-style: chr7-103029471-TCA-T.
Other names: c.1400_1401del, p.Val467fs (NM_001167962.2, NM_001321787.2); c.1496_1497del, p.Val499fs (NM_206883.3, NM_206884.3); c.971+8906_971+8907del (NM_206885.3); short protein forms V467fs, V499fs.
Identifiers: ClinVar variation 3613367 (VCV003613367.2).